The following is an entry in ClinVar:

ClinVar aggregate classification (germline): Uncertain significance (1 of 4 stars; one submission).

Conditions:
Familial acute necrotizing encephalopathy (IIAE3). Also called: Susceptibility to Acute Necrotizing Encephalopathy 1; ENCEPHALOPATHY, ACUTE, INFECTION-INDUCED, SUSCEPTIBILITY TO, 3. Identifiers: Orphanet 88619, MedGen C2675556, MONDO:0011953, OMIM 608033.

Allele frequency attached by ClinVar (database versions not stated): gnomAD 0.00001.
gnomAD v4.1: 1 of 1,326,078 alleles (0.000075%); highest among the groups gnomAD compares: Admixed American, 0.0018%; no homozygotes.

Submission:

Labcorp Genetics (formerly Invitae), Labcorp
Classification: Uncertain significance for Familial acute necrotizing encephalopathy. Last evaluated: 2020-01-27. Review status: criteria provided, single submitter. Criteria: Invitae Variant Classification Sherloc (09022015). Collection method: clinical testing. Allele origin: germline.
Comment: This sequence change replaces serine with phenylalanine at codon 1699 of the RANBP2 protein (p.Ser1699Phe). The serine residue is moderately conserved and there is a large physicochemical difference between serine and phenylalanine. This variant is not present in population databases (ExAC no frequency) and has not been reported in the literature in individuals with a RANBP2-related disease. Algorithms developed to predict the effect of missense changes on protein structure and function do not agree on the potential impact of this missense change (SIFT: "Deleterious"; PolyPhen-2: "Possibly Damaging"; Align-GVGD: "Class C0"). In summary, this variant is a novel missense change with uncertain impact on protein function. It has been classified as a Variant of Uncertain Significance.

NM_006267.5(RANBP2):c.5096C>T (p.Ser1699Phe)

Gene: RANBP2 (RAN binding protein 2; plus strand). Cytogenetic location: 2q13.
Variant type: single nucleotide variant.
Coding change: c.5096C>T on transcript NM_006267.5 (MANE Select); coding-DNA position 5096, C replaced by T.
Protein change: p.Ser1699Phe; replaces serine 1699 with phenylalanine.
Molecular consequence: missense variant.
Genome position (GRCh38, 1-based): chr2:108,765,635, C>T. VCF-style: chr2-108765635-C-T. GRCh37 (hg19) VCF-style: chr2-109382091-C-T.
Other names: short protein forms S1699F.
Identifiers: ClinVar variation 469468 (VCV000469468.10), dbSNP rs1553496280, ClinGen allele CA348070122.
Genomic context (GRCh38, chr2:108,765,635, plus strand): 5'-AAGCCAGTGCTACCAAATGTATTGCTTGTCAGAATCCAGGTAAACAAAATCAAACTACTT[C>T]TGCAGTTTCAACACCTGCCTCTTCAGAGACAAGCAAGGCTCCAAAGAGCGGATTTGAGGG-3'
Protein context (NP_006258.3, residues 1689-1709): QNPGKQNQTT[Ser1699Phe]AVSTPASSET